The following is an entry in ClinVar:

NM_153603.4(COG7):c.2266C>T (p.Arg756Cys)

Gene: COG7 (component of oligomeric golgi complex 7; minus strand). Cytogenetic location: 16p12.2.
Variant type: single nucleotide variant.
Coding change: c.2266C>T on transcript NM_153603.4 (MANE Select); coding-DNA position 2266, C replaced by T.
Protein change: p.Arg756Cys; replaces arginine 756 with cysteine.
Molecular consequence: missense variant.
Genome position (GRCh38, 1-based): chr16:23,388,967, G>A on the plus strand (C>T on the coding strand, the complement: COG7 is on the minus strand). VCF-style: chr16-23388967-G-A. GRCh37 (hg19) VCF-style: chr16-23400288-G-A.
Other names: c.2266C>T (NM_153603.3); short protein forms R756C.
Identifiers: ClinVar variation 808016 (VCV000808016.45), dbSNP rs199984825, ClinGen allele CA7960722.

ClinVar aggregate classification (germline): Uncertain significance. Review status: criteria provided, multiple submitters, no conflicts (2 of 4 stars). 3 submissions from 3 submitters: Uncertain significance (3). Last evaluated 2026-05-03.

Conditions:
COG7-related disorder. Also called: COG7-related condition.
COG7 congenital disorder of glycosylation (CDG2E). Also called: CONGENITAL DISORDER OF GLYCOSYLATION, TYPE IIe; CDG IIe. Identifiers: Orphanet 79333, MedGen C2931010, MONDO:0012118, OMIM 608779.

Allele frequency attached by ClinVar (database versions not stated): gnomAD 0.00003; gnomAD exomes 0.00004 and 0.00006; ExAC 0.00005; TOPMed 0.00007.
gnomAD v4.1: 92 of 1,614,074 alleles (0.0057%); highest among the groups gnomAD compares: Non-Finnish European, 0.0076%; no homozygotes.

Submissions (3):

PreventionGenetics, part of Exact Sciences
Classification: Uncertain significance for COG7-related condition. Last evaluated: 2026-05-03. Review status: criteria provided, single submitter. Criteria: ACMG Guidelines, 2015. Collection method: clinical testing. Allele origin: germline.
Comment: The COG7 c.2266C>T variant is predicted to result in the amino acid substitution p.Arg756Cys. To our knowledge, this variant has not been reported in the literature. This variant is reported in 0.0088% of alleles in individuals of European (Non-Finnish) descent in gnomAD. At this time, the clinical significance of this variant is uncertain due to the absence of conclusive functional and genetic evidence.

Labcorp Genetics (formerly Invitae), Labcorp
Classification: Uncertain significance for COG7 congenital disorder of glycosylation. Last evaluated: 2022-08-06. Review status: criteria provided, single submitter. Criteria: Invitae Variant Classification Sherloc (09022015). Collection method: clinical testing. Allele origin: germline.
Comment: This sequence change replaces arginine, which is basic and polar, with cysteine, which is neutral and slightly polar, at codon 756 of the COG7 protein (p.Arg756Cys). This variant is present in population databases (rs199984825, gnomAD 0.01%). This variant has not been reported in the literature in individuals affected with COG7-related conditions. ClinVar contains an entry for this variant (Variation ID: 808016). Algorithms developed to predict the effect of missense changes on protein structure and function are either unavailable or do not agree on the potential impact of this missense change (SIFT: "Deleterious"; PolyPhen-2: "Possibly Damaging"; Align-GVGD: "Class C0"). In summary, the available evidence is currently insufficient to determine the role of this variant in disease. Therefore, it has been classified as a Variant of Uncertain Significance.

CeGaT Center for Human Genetics Tuebingen
Classification: Uncertain significance. Last evaluated: 2018-07-01. Review status: criteria provided, single submitter. Criteria: CeGaT Center For Human Genetics Tuebingen Variant Classification Criteria Version 2. Collection method: clinical testing. Allele origin: germline. Affected: yes. Observed: 1 variant allele.